The following is an entry in ClinVar:

NM_015559.3(SETBP1):c.1168G>T (p.Ala390Ser)

Gene: SETBP1 (SET binding protein 1; plus strand). Cytogenetic location: 18q12.3.
Variant type: single nucleotide variant.
Coding change: c.1168G>T on transcript NM_015559.3 (MANE Select); coding-DNA position 1168, G replaced by T.
Protein change: p.Ala390Ser; replaces alanine 390 with serine.
Molecular consequence: missense variant.
Genome position (GRCh38, 1-based): chr18:44,950,508, G>T. VCF-style: chr18-44950508-G-T. GRCh37 (hg19) VCF-style: chr18-42530473-G-T.
Other names: c.1168G>T, p.Ala390Ser (NM_001379141.1, NM_001379142.1); short protein forms A390S.
Identifiers: ClinVar variation 1412357 (VCV001412357.8), dbSNP rs1388299767, ClinGen allele CA402317947.

ClinVar aggregate classification (germline): Uncertain significance (1 of 4 stars; one submission).

Allele frequency attached by ClinVar (database versions not stated): gnomAD exomes below 0.00001.

Submission:

Labcorp Genetics (formerly Invitae), Labcorp
Classification: Uncertain significance. Last evaluated: 2025-11-25. Review status: criteria provided, single submitter. Criteria: Invitae Variant Classification Sherloc (09022015). Collection method: clinical testing. Allele origin: germline.
Comment: This sequence change replaces alanine, which is neutral and non-polar, with serine, which is neutral and polar, at codon 390 of the SETBP1 protein (p.Ala390Ser). The frequency data for this variant in the population databases is considered unreliable, as metrics indicate poor data quality at this position in the gnomAD database. This variant has not been reported in the literature in individuals affected with SETBP1-related conditions. ClinVar contains an entry for this variant (Variation ID: 1412357). Invitae Evidence Modeling of protein sequence and biophysical properties (such as structural, functional, and spatial information, amino acid conservation, physicochemical variation, residue mobility, and thermodynamic stability) indicates that this missense variant is not expected to disrupt SETBP1 protein function with a negative predictive value of 80%. In summary, the available evidence is currently insufficient to determine the role of this variant in disease. Therefore, it has been classified as a Variant of Uncertain Significance.